The following is an entry in ClinVar:

NM_001372.4(DNAH9):c.8231A>T (p.Glu2744Val)

Gene: DNAH9 (dynein axonemal heavy chain 9; plus strand). Cytogenetic location: 17p12.
Variant type: single nucleotide variant.
Coding change: c.8231A>T on transcript NM_001372.4 (MANE Select); coding-DNA position 8231, A replaced by T.
Protein change: p.Glu2744Val; replaces glutamic acid 2744 with valine.
Molecular consequence: missense variant.
Genome position (GRCh38, 1-based): chr17:11,797,604, A>T. VCF-style: chr17-11797604-A-T. GRCh37 (hg19) VCF-style: chr17-11700921-A-T.
Other names: short protein forms E2744V.
Identifiers: ClinVar variation 3622151 (VCV003622151.2).

ClinVar aggregate classification (germline): Uncertain significance (1 of 4 stars; one submission).

Submission:

Labcorp Genetics (formerly Invitae), Labcorp
Classification: Uncertain significance. Last evaluated: 2024-07-22. Review status: criteria provided, single submitter. Criteria: Invitae Variant Classification Sherloc (09022015). Collection method: clinical testing. Allele origin: germline.
Comment: This sequence change replaces glutamic acid, which is acidic and polar, with valine, which is neutral and non-polar, at codon 2744 of the DNAH9 protein (p.Glu2744Val). This variant is not present in population databases (gnomAD no frequency). This variant has not been reported in the literature in individuals affected with DNAH9-related conditions. Advanced modeling of protein sequence and biophysical properties (such as structural, functional, and spatial information, amino acid conservation, physicochemical variation, residue mobility, and thermodynamic stability) performed at Invitae indicates that this missense variant is not expected to disrupt DNAH9 protein function with a negative predictive value of 80%. In summary, the available evidence is currently insufficient to determine the role of this variant in disease. Therefore, it has been classified as a Variant of Uncertain Significance.